The following is an entry in ClinVar:

NM_177965.4(CFAP418):c.362A>C (p.Asn121Thr)

Gene: CFAP418 (cilia and flagella associated protein 418; minus strand). Cytogenetic location: 8q22.1.
Variant type: single nucleotide variant.
Coding change: c.362A>C on transcript NM_177965.4 (MANE Select); coding-DNA position 362, A replaced by C.
Protein change: p.Asn121Thr; replaces asparagine 121 with threonine.
Molecular consequence: missense variant.
Genome position (GRCh38, 1-based): chr8:95,259,852, T>G on the plus strand (A>C on the coding strand, the complement: CFAP418 is on the minus strand). VCF-style: chr8-95259852-T-G. GRCh37 (hg19) VCF-style: chr8-96272080-T-G.
Other names: c.362A>C, p.Asn121Thr (NM_001363260.1); c.362A>C (NM_177965.3); short protein forms N121T.
Identifiers: ClinVar variation 1924582 (VCV001924582.4), dbSNP rs750108824, ClinGen allele CA4815175.

ClinVar aggregate classification (germline): Uncertain significance. Review status: criteria provided, single submitter (1 of 4 stars). 2 submissions from 2 submitters: Uncertain significance (1). 1 of the submissions does not count toward it. Last evaluated 2022-07-25.

Conditions:
CFAP418-related disorder. Also called: CFAP418-related condition.

Allele frequency attached by ClinVar (database versions not stated): TOPMed 0.00001; ExAC 0.00002; gnomAD exomes 0.00002.
gnomAD v4.1: 10 of 1,609,212 alleles (0.00062%); highest among the groups gnomAD compares: Admixed American, 0.017%; no homozygotes.

Submissions (2):

Labcorp Genetics (formerly Invitae), Labcorp
Classification: Uncertain significance. Last evaluated: 2022-07-25. Review status: criteria provided, single submitter. Criteria: Invitae Variant Classification Sherloc (09022015). Collection method: clinical testing. Allele origin: germline.
Comment: In summary, the available evidence is currently insufficient to determine the role of this variant in disease. Therefore, it has been classified as a Variant of Uncertain Significance. Algorithms developed to predict the effect of missense changes on protein structure and function output the following: SIFT: "Tolerated"; PolyPhen-2: "Benign"; Align-GVGD: "Class C0". The threonine amino acid residue is found in multiple mammalian species, which suggests that this missense change does not adversely affect protein function. This variant has not been reported in the literature in individuals affected with C8orf37-related conditions. This variant is present in population databases (rs750108824, gnomAD 0.03%). This sequence change replaces asparagine, which is neutral and polar, with threonine, which is neutral and polar, at codon 121 of the C8orf37 protein (p.Asn121Thr).

PreventionGenetics, part of Exact Sciences
Classification: Uncertain significance for CFAP418-related condition. Last evaluated: 2024-07-08. Review status: no assertion criteria provided. Collection method: clinical testing. Allele origin: germline. Not counted in ClinVar's aggregate classification.
Comment: The CFAP418 c.362A>C variant is predicted to result in the amino acid substitution p.Asn121Thr. To our knowledge, this variant has not been reported in the literature. This variant is reported in 0.027% of alleles in individuals of Latino descent in gnomAD. At this time, the clinical significance of this variant is uncertain due to the absence of conclusive functional and genetic evidence.